The following is an entry in ClinVar:

NM_001298.3(CNGA3):c.181G>C (p.Gly61Arg)

Gene: CNGA3 (cyclic nucleotide gated channel subunit alpha 3; plus strand). Cytogenetic location: 2q11.2.
Variant type: single nucleotide variant.
Coding change: c.181G>C on transcript NM_001298.3 (MANE Select); coding-DNA position 181, G replaced by C.
Protein change: p.Gly61Arg; replaces glycine 61 with arginine.
Molecular consequence: missense variant.
Genome position (GRCh38, 1-based): chr2:98,377,766, G>C. VCF-style: chr2-98377766-G-C. GRCh37 (hg19) VCF-style: chr2-98994229-G-C.
Other names: c.181G>C, p.Gly61Arg (NM_001079878.2); short protein forms G61R.
Identifiers: ClinVar variation 1924380 (VCV001924380.5), dbSNP rs202197432, ClinGen allele CA1793602.

ClinVar aggregate classification (germline): Uncertain significance (1 of 4 stars; one submission).

gnomAD v4.1: 7 of 1,612,372 alleles (0.00043%); highest among the groups gnomAD compares: Admixed American, 0.012%; no homozygotes.

Submission:

Labcorp Genetics (formerly Invitae), Labcorp
Classification: Uncertain significance. Last evaluated: 2023-03-10. Review status: criteria provided, single submitter. Criteria: Invitae Variant Classification Sherloc (09022015). Collection method: clinical testing. Allele origin: germline.
Comment: This sequence change replaces glycine, which is neutral and non-polar, with arginine, which is basic and polar, at codon 61 of the CNGA3 protein (p.Gly61Arg). This variant is present in population databases (rs202197432, gnomAD 0.01%). This variant has not been reported in the literature in individuals affected with CNGA3-related conditions. ClinVar contains an entry for this variant (Variation ID: 1924380). Advanced modeling of protein sequence and biophysical properties (such as structural, functional, and spatial information, amino acid conservation, physicochemical variation, residue mobility, and thermodynamic stability) performed at Invitae indicates that this missense variant is not expected to disrupt CNGA3 protein function. In summary, the available evidence is currently insufficient to determine the role of this variant in disease. Therefore, it has been classified as a Variant of Uncertain Significance.